The following is an entry in ClinVar:

ClinVar aggregate classification (germline): Likely benign. Review status: criteria provided, multiple submitters, no conflicts (2 of 4 stars). 2 submissions from 2 submitters: Likely benign (2). Last evaluated 2026-02-25.

Submissions (2):

Women's Health and Genetics/Laboratory Corporation of America, LabCorp
Classification: Likely benign. Last evaluated: 2026-02-25. Review status: criteria provided, single submitter. Criteria: LabCorp Variant Classification Summary - May 2015. Collection method: clinical testing. Allele origin: germline.
Comment: Variant summary: PNPT1 c.1906+10delinsCAT alters a conserved nucleotide located at a position not widely known to affect splicing. Consensus agreement among computation tools predict no significant impact on normal splicing. However, these predictions have yet to be confirmed by functional studies. The variant allele was found at a frequency of 6.5e-05 in 1587338 control chromosomes. This frequency is not significantly higher than estimated for disease-causing variants in PNPT1, allowing no conclusion about variant significance. To our knowledge, no occurrence of c.1906+10delinsCAT in individuals affected with PNPT1-related conditions and no experimental evidence demonstrating its impact on protein function have been reported. ClinVar contains an entry for this variant (Variation ID: 421605). Based on the evidence outlined above, the variant was classified as likely benign.

GeneDx
Classification: Likely benign. Last evaluated: 2016-07-07. Review status: criteria provided, single submitter. Criteria: GeneDx Variant Classification (06012015). Collection method: clinical testing. Allele origin: germline. Affected: yes.
Comment: This variant is considered likely benign or benign based on one or more of the following criteria: it is a conservative change, it occurs at a poorly conserved position in the protein, it is predicted to be benign by multiple in silico algorithms, and/or has population frequency not consistent with disease.

NM_033109.5(PNPT1):c.1906+10delinsCAT

Gene: PNPT1 (polyribonucleotide nucleotidyltransferase 1; minus strand). Cytogenetic location: 2p16.1.
Variant type: Indel.
Coding change: c.1906+10delinsCAT on transcript NM_033109.5 (MANE Select); 10 bases into the intron after coding-DNA position 1906, G replaced by CAT.
Molecular consequence: intron variant.
Genome position (GRCh38, 1-based): chr2:55,644,627, C replaced by ATG on the plus strand (G replaced by CAT on the coding strand, the reverse complement: PNPT1 is on the minus strand). VCF-style: chr2-55644627-C-ATG. GRCh37 (hg19) VCF-style: chr2-55871762-C-ATG.
Identifiers: ClinVar variation 421605 (VCV000421605.2), dbSNP rs1064795243, ClinGen allele CA16617740.